The following is an entry in ClinVar:

ClinVar aggregate classification (germline): Uncertain significance. Review status: criteria provided, multiple submitters, no conflicts (2 of 4 stars). 3 submissions from 3 submitters: Uncertain significance (3). Last evaluated 2026-02-02.

Conditions:
Facioscapulohumeral muscular dystrophy 2 (FSHD2). Also called: MUSCULAR DYSTROPHY, FACIOSCAPULOHUMERAL, TYPE 1B; FACIOSCAPULOHUMERAL MUSCULAR DYSTROPHY 2, DIGENIC; FSHD2, DIGENIC. Identifiers: Orphanet 269, MedGen C1834671, MONDO:0008031, OMIM 158901.

Allele frequency attached by ClinVar (database versions not stated): gnomAD exomes 0.00002; ExAC 0.00004; gnomAD 0.00004; TOPMed 0.00008.

Submissions (3):

Labcorp Genetics (formerly Invitae), Labcorp
Classification: Uncertain significance for Facioscapulohumeral muscular dystrophy 2. Last evaluated: 2026-02-02. Review status: criteria provided, single submitter. Criteria: Invitae Variant Classification Sherloc (09022015). Collection method: clinical testing. Allele origin: germline.
Comment: This sequence change replaces threonine, which is neutral and polar, with methionine, which is neutral and non-polar, at codon 1008 of the SMCHD1 protein (p.Thr1008Met). The frequency data for this variant in the population databases is considered unreliable, as metrics indicate poor data quality at this position in the gnomAD database. This variant has not been reported in the literature in individuals affected with SMCHD1-related conditions. ClinVar contains an entry for this variant (Variation ID: 1314485). Invitae Evidence Modeling of protein sequence and biophysical properties (such as structural, functional, and spatial information, amino acid conservation, physicochemical variation, residue mobility, and thermodynamic stability) indicates that this missense variant is not expected to disrupt SMCHD1 protein function with a negative predictive value of 80%. In summary, the available evidence is currently insufficient to determine the role of this variant in disease. Therefore, it has been classified as a Variant of Uncertain Significance.

Revvity Omics, Revvity
Classification: Uncertain significance. Last evaluated: 2022-06-15. Review status: criteria provided, single submitter. Criteria: ACMG Guidelines, 2015. Collection method: clinical testing. Allele origin: germline.

GeneDx
Classification: Uncertain significance. Last evaluated: 2021-04-07. Review status: criteria provided, single submitter. Criteria: GeneDx Variant Classification Process June 2021. Collection method: clinical testing. Allele origin: germline. Affected: yes.
Comment: In silico analysis supports that this missense variant does not alter protein structure/function; Has not been previously published as pathogenic or benign to our knowledge

NM_015295.3(SMCHD1):c.3023C>T (p.Thr1008Met)

Gene: SMCHD1 (structural maintenance of chromosomes flexible hinge domain containing 1; plus strand). Cytogenetic location: 18p11.32.
Variant type: single nucleotide variant.
Coding change: c.3023C>T on transcript NM_015295.3 (MANE Select); coding-DNA position 3023, C replaced by T.
Protein change: p.Thr1008Met; replaces threonine 1008 with methionine.
Molecular consequence: missense variant.
Genome position (GRCh38, 1-based): chr18:2,729,384, C>T. VCF-style: chr18-2729384-C-T. GRCh37 (hg19) VCF-style: chr18-2729382-C-T.
Other names: short protein forms T1008M.
Identifiers: ClinVar variation 1314485 (VCV001314485.9), dbSNP rs771100083, ClinGen allele CA8871113.